The following is an entry in ClinVar:

ClinVar aggregate classification (germline): Uncertain significance (1 of 4 stars; one submission).

Submission:

GeneDx
Classification: Uncertain significance. Last evaluated: 2026-04-24. Review status: criteria provided, single submitter. Criteria: GeneDx Variant Classification Process June 2021. Collection method: clinical testing. Allele origin: germline.
Comment: Not observed at significant frequency in large population cohorts (gnomAD); In silico analysis supports that this missense variant has a deleterious effect on protein structure/function; Has not been previously published as pathogenic or benign to our knowledge

NM_000807.4(GABRA2):c.301C>A (p.Arg101Ser)

Gene: GABRA2 (gamma-aminobutyric acid type A receptor subunit alpha2; minus strand). Cytogenetic location: 4p12.
Variant type: single nucleotide variant.
Coding change: c.301C>A on transcript NM_000807.4 (MANE Select); coding-DNA position 301, C replaced by A.
Protein change: p.Arg101Ser; replaces arginine 101 with serine.
Molecular consequence: missense variant.
Genome position (GRCh38, 1-based): chr4:46,312,671, G>T on the plus strand (C>A on the coding strand, the complement: GABRA2 is on the minus strand). VCF-style: chr4-46312671-G-T. GRCh37 (hg19) VCF-style: chr4-46314688-G-T.
Other names: c.301C>A, p.Arg101Ser (NM_001377149.1, NM_001377150.1, NM_001377151.1 and 8 more transcripts); c.136C>A, p.Arg46Ser (NM_001377152.1, NM_001377153.1, NM_001377154.1 and 1 more transcripts); short protein forms R101S, R46S.
Identifiers: ClinVar variation 5037645 (VCV005037645.1).
Genomic context (GRCh38, chr4:46,312,671, plus strand): 5'-TTTTGCTAGCCATTAAATTGTTTAGTCGAAGGATATTCATAGGACCTTTAAATTTTAAAC[G>T]TTCATCTTTCCATTTTTGTCGAAAGAAAACATCAATTGTATATTCCTGAAATAAAAAATA-3'
Protein context (NP_000798.2, residues 91-111): VFFRQKWKDE[Arg101Ser]LKFKGPMNIL